The following is an entry in ClinVar:

NM_144573.4(NEXN):c.175G>A (p.Glu59Lys)

Gene: NEXN (nexilin F-actin binding protein; plus strand). Cytogenetic location: 1p31.1.
Variant type: single nucleotide variant.
Coding change: c.175G>A on transcript NM_144573.4 (MANE Select); coding-DNA position 175, G replaced by A.
Protein change: p.Glu59Lys; replaces glutamic acid 59 with lysine.
Molecular consequence: missense variant. On other transcripts: intron variant (1).
Genome position (GRCh38, 1-based): chr1:77,917,713, G>A. VCF-style: chr1-77917713-G-A. GRCh37 (hg19) VCF-style: chr1-78383398-G-A.
Other names: c.28-247G>A (NM_001172309.2); short protein forms E59K.
Identifiers: ClinVar variation 1021541 (VCV001021541.8), dbSNP rs761888910, ClinGen allele CA918574.

ClinVar aggregate classification (germline): Uncertain significance. Review status: criteria provided, multiple submitters, no conflicts (2 of 4 stars). 2 submissions from 2 submitters: Uncertain significance (2). Last evaluated 2023-04-20.

Conditions:
Cardiovascular phenotype. Identifiers: MedGen CN230736.
Dilated cardiomyopathy 1CC (CMD1CC). Identifiers: Orphanet 154, MedGen C2751084, MONDO:0013147, OMIM 613122.
Hypertrophic cardiomyopathy 20. Identifiers: MedGen C3151267, MONDO:0013477, OMIM 613876.

Allele frequency attached by ClinVar (database versions not stated): TOPMed 0.00002; gnomAD 0.00004.
gnomAD v4.1: 34 of 1,611,304 alleles (0.0021%); highest among the groups gnomAD compares: Non-Finnish European, 0.0027%; no homozygotes.

Submissions (2):

Ambry Genetics
Classification: Uncertain significance for Cardiovascular phenotype. Last evaluated: 2023-04-20. Review status: criteria provided, single submitter. Criteria: Ambry Variant Classification Scheme 2023. Collection method: clinical testing. Allele origin: germline.

Labcorp Genetics (formerly Invitae), Labcorp
Classification: Uncertain significance for Dilated cardiomyopathy 1CC; Hypertrophic cardiomyopathy 20. Last evaluated: 2020-01-21. Review status: criteria provided, single submitter. Criteria: Invitae Variant Classification Sherloc (09022015). Collection method: clinical testing. Allele origin: germline.
Comment: In summary, the available evidence is currently insufficient to determine the role of this variant in disease. Therefore, it has been classified as a Variant of Uncertain Significance. Algorithms developed to predict the effect of missense changes on protein structure and function are either unavailable or do not agree on the potential impact of this missense change (SIFT: "Deleterious"; PolyPhen-2: "Probably Damaging"; Align-GVGD: "Class C0"). This variant has not been reported in the literature in individuals with NEXN-related conditions. This variant is present in population databases (rs761888910, ExAC 0.01%). This sequence change replaces glutamic acid with lysine at codon 59 of the NEXN protein (p.Glu59Lys). The glutamic acid residue is moderately conserved and there is a small physicochemical difference between glutamic acid and lysine.